The following is an entry in ClinVar:

NM_012470.4(TNPO3):c.1810A>G (p.Ile604Val)

Gene: TNPO3 (transportin 3; minus strand). Cytogenetic location: 7q32.1.
Variant type: single nucleotide variant.
Coding change: c.1810A>G on transcript NM_012470.4 (MANE Select); coding-DNA position 1810, A replaced by G.
Protein change: p.Ile604Val; replaces isoleucine 604 with valine.
Molecular consequence: missense variant. On other transcripts: non-coding transcript variant (16).
Genome position (GRCh38, 1-based): chr7:128,982,297, T>C on the plus strand (A>G on the coding strand, the complement: TNPO3 is on the minus strand). VCF-style: chr7-128982297-T-C. GRCh37 (hg19) VCF-style: chr7-128622351-T-C.
Other names: c.1618A>G, p.Ile540Val (NM_001191028.3, NM_001382223.1); c.1912A>G, p.Ile638Val (NM_001382216.1); c.1891A>G, p.Ile631Val (NM_001382217.1); c.1810A>G, p.Ile604Val (NM_001382218.1, NM_001382220.1); c.1702A>G, p.Ile568Val (NM_001382219.1); c.1666A>G, p.Ile556Val (NM_001382221.1); c.1663A>G, p.Ile555Val (NM_001382222.1); short protein forms I604V, I540V, I555V, I556V, I568V, I631V, I638V.
Identifiers: ClinVar variation 286472 (VCV000286472.20), dbSNP rs886043402, ClinGen allele CA10605476.

ClinVar aggregate classification (germline): Conflicting classifications of pathogenicity. Review status: criteria provided, conflicting classifications (1 of 4 stars). 4 submissions from 4 submitters: Uncertain significance (3); Likely benign (1). Last evaluated 2025-10-15.

Conditions:
Autosomal dominant limb-girdle muscular dystrophy type 1F (LGMDD2). Also called: Limb-girdle muscular dystrophy, type 1F; MUSCULAR DYSTROPHY, LIMB-GIRDLE, AUTOSOMAL DOMINANT 2. Identifiers: Orphanet 55595, MedGen C1842062, MONDO:0012034, OMIM 608423.

Allele frequency attached by ClinVar (database versions not stated): gnomAD exomes below 0.00001 and 0.00001; gnomAD 0.00001; TOPMed 0.00004.
gnomAD v4.1: 21 of 1,613,326 alleles (0.0013%); highest among the groups gnomAD compares: East Asian, 0.011%; no homozygotes.

Submissions (4):

Labcorp Genetics (formerly Invitae), Labcorp
Classification: Uncertain significance for Autosomal dominant limb-girdle muscular dystrophy type 1F. Last evaluated: 2025-10-15. Review status: criteria provided, single submitter. Criteria: Invitae Variant Classification Sherloc (09022015). Collection method: clinical testing. Allele origin: germline.
Comment: This sequence change replaces isoleucine, which is neutral and non-polar, with valine, which is neutral and non-polar, at codon 604 of the TNPO3 protein (p.Ile604Val). This variant is present in population databases (no rsID available, gnomAD 0.0009%). This variant has not been reported in the literature in individuals affected with TNPO3-related conditions. ClinVar contains an entry for this variant (Variation ID: 286472). Invitae Evidence Modeling of protein sequence and biophysical properties (such as structural, functional, and spatial information, amino acid conservation, physicochemical variation, residue mobility, and thermodynamic stability) indicates that this missense variant is not expected to disrupt TNPO3 protein function with a negative predictive value of 80%. In summary, the available evidence is currently insufficient to determine the role of this variant in disease. Therefore, it has been classified as a Variant of Uncertain Significance.

GeneDx
Classification: Likely benign. Last evaluated: 2020-09-15. Review status: criteria provided, single submitter. Criteria: GeneDx Variant Classification Process June 2021. Collection method: clinical testing. Allele origin: germline. Affected: yes.
Comment: Not observed in large population cohorts (Lek et al., 2016); In silico analysis, which includes protein predictors and evolutionary conservation, supports that this variant does not alter protein structure/function; Has not been previously published as pathogenic or benign to our knowledge

Revvity Omics, Revvity
Classification: Uncertain significance for Autosomal dominant limb-girdle muscular dystrophy type 1F. Last evaluated: 2019-08-06. Review status: criteria provided, single submitter. Criteria: ACMG Guidelines, 2015. Collection method: clinical testing. Allele origin: germline.

Eurofins Ntd Llc (ga)
Classification: Uncertain significance. Last evaluated: 2016-03-01. Review status: criteria provided, single submitter. Criteria: EGL Classification Definitions 2015. Collection method: clinical testing. Allele origin: germline. Observed: 1 variant allele, 1 heterozygote.